The following is an entry in ClinVar:

ClinVar aggregate classification (germline): Uncertain significance (1 of 4 stars; one submission).

Conditions:
Hereditary cancer-predisposing syndrome. Also called: Neoplastic Syndromes, Hereditary; Hereditary Cancer Syndrome; Hereditary neoplastic syndrome; Tumor predisposition. Identifiers: Orphanet 140162, MedGen C0027672, MeSH D009386, MONDO:0015356.

Submission:

Ambry Genetics
Classification: Uncertain significance for Hereditary cancer-predisposing syndrome. Last evaluated: 2023-04-18. Review status: criteria provided, single submitter. Criteria: Ambry Variant Classification Scheme 2023. Collection method: clinical testing. Allele origin: germline.
Comment: The p.L48Q variant (also known as c.143T>A), located in coding exon 2 of the TSC2 gene, results from a T to A substitution at nucleotide position 143. The leucine at codon 48 is replaced by glutamine, an amino acid with dissimilar properties. This amino acid position is conserved. In addition, this alteration is predicted to be deleterious by in silico analysis. Since supporting evidence is limited at this time, the clinical significance of this alteration remains unclear.

NM_000548.5(TSC2):c.143T>A (p.Leu48Gln)

Gene: TSC2 (TSC complex subunit 2; plus strand). Cytogenetic location: 16p13.3.
Variant type: single nucleotide variant.
Coding change: c.143T>A on transcript NM_000548.5 (MANE Select); coding-DNA position 143, T replaced by A.
Protein change: p.Leu48Gln; replaces leucine 48 with glutamine.
Molecular consequence: missense variant. On other transcripts: 5 prime UTR variant (25), non-coding transcript variant (5).
Genome position (GRCh38, 1-based): chr16:2,050,404, T>A. VCF-style: chr16-2050404-T-A. GRCh37 (hg19) VCF-style: chr16-2100405-T-A.
Other names: c.143T>A, p.Leu48Gln (NM_001077183.3, NM_001114382.3, NM_001318827.2 and 13 more transcripts); c.-5T>A (NM_001318829.2, NM_001406675.1, NM_001406676.1 and 2 more transcripts); c.-84T>A (NM_001318831.2, NM_001406682.1, NM_001406684.1 and 3 more transcripts); c.176T>A, p.Leu59Gln (NM_001318832.2); c.-674T>A (NM_001406680.1, NM_001406683.1, NM_001406687.1); c.-303T>A (NM_001406681.1); c.-1289T>A (NM_001406689.1, NM_001406690.1, NM_001406691.1 and 2 more transcripts); c.-1595T>A (NM_001406693.1); and 3 more; short protein forms L48Q, L59Q.
Identifiers: ClinVar variation 2564652 (VCV002564652.2), dbSNP rs2150995062, ClinGen allele CA394303082.